The following is an entry in ClinVar:

ClinVar aggregate classification (germline): Pathogenic (1 of 4 stars; one submission).

Conditions:
Autosomal recessive nonsyndromic hearing loss 3. Also called: NEUROSENSORY NONSYNDROMIC RECESSIVE DEAFNESS 3. Identifiers: Orphanet 90636, MedGen C1838263, MONDO:0010860, OMIM 600316.

Submission:

Institute of Rare Diseases, West China Hospital, Sichuan University
Classification: Pathogenic for Autosomal recessive nonsyndromic hearing loss 3. Last evaluated: 2025-01-09. Review status: criteria provided, single submitter. Criteria: ClinGen HL ACMG Specifications v1. Collection method: research. Allele origin: germline. Affected: yes.
Comment: PVS1;PM3;PM2_Supporting

NM_016239.4(MYO15A):c.10491+1G>A

Gene: MYO15A (myosin XVA; plus strand). Cytogenetic location: 17p11.2.
Variant type: single nucleotide variant.
Coding change: c.10491+1G>A on transcript NM_016239.4 (MANE Select); the canonical splice donor site of the intron after coding-DNA position 10491, G replaced by A.
Molecular consequence: splice donor variant.
Genome position (GRCh38, 1-based): chr17:18,173,922, G>A. VCF-style: chr17-18173922-G-A. GRCh37 (hg19) VCF-style: chr17-18077236-G-A.
Identifiers: ClinVar variation 3601303 (VCV003601303.1).